The following is an entry in ClinVar:

ClinVar aggregate classification (germline): Likely benign. Review status: criteria provided, multiple submitters, no conflicts (2 of 4 stars). 2 submissions from 2 submitters: Likely benign (2). Last evaluated 2025-04-18.

Conditions:
Norman-Roberts syndrome (LIS2). Also called: Lissencephaly 2 (Norman-Roberts type). Identifiers: Orphanet 89844, MedGen C0796089, MONDO:0009760, OMIM 257320.
Familial temporal lobe epilepsy 7. Identifiers: Orphanet 101046, MedGen C4225327, MONDO:0014639, OMIM 616436.

Allele frequency attached by ClinVar (database versions not stated): TOPMed below 0.00001; gnomAD 0.00001; gnomAD exomes 0.00001 and 0.00002; ExAC 0.00003.
gnomAD v4.1: 13 of 1,614,008 alleles (0.00081%); highest among the groups gnomAD compares: East Asian, 0.0022%; no homozygotes.

Submissions (2):

Labcorp Genetics (formerly Invitae), Labcorp
Classification: Likely benign for Familial temporal lobe epilepsy 7; Norman-Roberts syndrome. Last evaluated: 2025-04-18. Review status: criteria provided, single submitter. Criteria: Invitae Variant Classification Sherloc (09022015). Collection method: clinical testing. Allele origin: germline.

GeneDx
Classification: Likely benign. Last evaluated: 2016-11-15. Review status: criteria provided, single submitter. Criteria: GeneDx Variant Classification (06012015). Collection method: clinical testing. Allele origin: germline. Affected: yes.
Comment: This variant is considered likely benign or benign based on one or more of the following criteria: it is a conservative change, it occurs at a poorly conserved position in the protein, it is predicted to be benign by multiple in silico algorithms, and/or has population frequency not consistent with disease.

NM_005045.4(RELN):c.6579G>A (p.Lys2193=)

Gene: RELN (reelin; minus strand). Cytogenetic location: 7q22.1.
Variant type: single nucleotide variant.
Coding change: c.6579G>A on transcript NM_005045.4 (MANE Select); coding-DNA position 6579, G replaced by A.
Protein change: p.Lys2193=; no amino-acid change (lysine 2193 retained).
Molecular consequence: synonymous variant.
Genome position (GRCh38, 1-based): chr7:103,542,823, C>T on the plus strand (G>A on the coding strand, the complement: RELN is on the minus strand). VCF-style: chr7-103542823-C-T. GRCh37 (hg19) VCF-style: chr7-103183270-C-T.
Other names: c.6579G>A, p.Lys2193= (NM_173054.3).
Identifiers: ClinVar variation 390795 (VCV000390795.8), dbSNP rs764925228, ClinGen allele CA4420930.